The following is an entry in ClinVar:

ClinVar aggregate classification (germline): Likely benign (0 of 4 stars; one submission).

Conditions:
STXBP5-related disorder. Also called: STXBP5-related condition.

Allele frequency attached by ClinVar (database versions not stated): ExAC 0.00005; gnomAD exomes 0.00005; TOPMed 0.00015; 1000 Genomes Project 30x 0.00016; gnomAD 0.00016; 1000 Genomes Project 0.00020.
gnomAD v4.1: 92 of 1,531,848 alleles (0.006%); highest among the groups gnomAD compares: Admixed American, 0.053%; no homozygotes.

Submission:

PreventionGenetics, part of Exact Sciences
Classification: Likely benign for STXBP5-related condition. Last evaluated: 2021-08-20. Review status: no assertion criteria provided. Collection method: clinical testing. Allele origin: germline.
Comment: This variant is classified as likely benign based on ACMG/AMP sequence variant interpretation guidelines (Richards et al. 2015 PMID: 25741868, with internal and published modifications).

NM_001127715.4(STXBP5):c.1791A>G (p.Val597=)

Gene: STXBP5 (syntaxin binding protein 5; plus strand). Cytogenetic location: 6q24.3.
Variant type: single nucleotide variant.
Coding change: c.1791A>G on transcript NM_001127715.4 (MANE Select); coding-DNA position 1791, A replaced by G.
Protein change: p.Val597=; no amino-acid change (valine 597 retained).
Molecular consequence: synonymous variant.
Genome position (GRCh38, 1-based): chr6:147,316,396, A>G. VCF-style: chr6-147316396-A-G. GRCh37 (hg19) VCF-style: chr6-147637532-A-G.
Other names: c.1791A>G, p.Val597= (NM_001394409.1, NM_139244.6).
Identifiers: ClinVar variation 3036733 (VCV003036733.2), dbSNP rs543888569, ClinGen allele CA4039084.
Genomic context (GRCh38, chr6:147,316,396, plus strand): 5'-CCCTCCTCAGTCTCATCCATCTACCAGTAGCAGTTCATCTGATGGGCTTCGTGATAATGT[A>G]CCTTGTTTAAAGTAAGTTATAAAAAACTACAGAGGAGTTTTGGATATTATCTTTTAATTT-3'
Protein context (NP_001121187.1, residues 587-607): SSSSDGLRDN[Val597=]PCLKVKNSPL